The following is an entry in ClinVar:

ClinVar aggregate classification (germline): Uncertain significance. Review status: criteria provided, multiple submitters, no conflicts (2 of 4 stars). 2 submissions from 2 submitters: Uncertain significance (2). Last evaluated 2025-03-20.

Conditions:
Hereditary cancer-predisposing syndrome. Also called: Neoplastic Syndromes, Hereditary; Tumor predisposition; Hereditary Cancer Syndrome; Hereditary neoplastic syndrome. Identifiers: Orphanet 140162, MedGen C0027672, MeSH D009386, MONDO:0015356.
Familial adenomatous polyposis 1 (FAP1). Also called: FAMILIAL ADENOMATOUS POLYPOSIS 1, ATTENUATED; POLYPOSIS, ADENOMATOUS INTESTINAL. Identifiers: MedGen C2713442, MONDO:0021056, OMIM 175100. Disease mechanism: loss of function.

Submissions (2):

Ambry Genetics
Classification: Uncertain significance for Hereditary cancer-predisposing syndrome. Last evaluated: 2025-03-20. Review status: criteria provided, single submitter. Criteria: Ambry Variant Classification Scheme 2023. Collection method: clinical testing. Allele origin: germline.
Comment: The p.S2685R variant (also known as c.8055T>A), located in coding exon 15 of the APC gene, results from a T to A substitution at nucleotide position 8055. The serine at codon 2685 is replaced by arginine, an amino acid with dissimilar properties. This amino acid position is conserved. In addition, in silico predictors for this gene do not accurately predict pathogenicity. Based on the available evidence, the clinical significance of this variant remains unclear.

Labcorp Genetics (formerly Invitae), Labcorp
Classification: Uncertain significance for Familial adenomatous polyposis 1. Last evaluated: 2022-11-20. Review status: criteria provided, single submitter. Criteria: Invitae Variant Classification Sherloc (09022015). Collection method: clinical testing. Allele origin: germline.
Comment: This sequence change replaces serine, which is neutral and polar, with arginine, which is basic and polar, at codon 2685 of the APC protein (p.Ser2685Arg). This variant is not present in population databases (gnomAD no frequency). This variant has not been reported in the literature in individuals affected with APC-related conditions. Advanced modeling of protein sequence and biophysical properties (such as structural, functional, and spatial information, amino acid conservation, physicochemical variation, residue mobility, and thermodynamic stability) performed at Invitae indicates that this missense variant is not expected to disrupt APC protein function. In summary, the available evidence is currently insufficient to determine the role of this variant in disease. Therefore, it has been classified as a Variant of Uncertain Significance.

NM_000038.6(APC):c.8055T>A (p.Ser2685Arg)

Gene: APC (APC regulator of Wnt signaling pathway; plus strand). Cytogenetic location: 5q22.2.
Variant type: single nucleotide variant.
Coding change: c.8055T>A on transcript NM_000038.6 (MANE Select); coding-DNA position 8055, T replaced by A.
Protein change: p.Ser2685Arg; replaces serine 2685 with arginine.
Molecular consequence: missense variant. On other transcripts: non-coding transcript variant (2).
Genome position (GRCh38, 1-based): chr5:112,843,649, T>A. VCF-style: chr5-112843649-T-A. GRCh37 (hg19) VCF-style: chr5-112179346-T-A.
Other names: c.8055T>A, p.Ser2685Arg (NM_001127510.3, NM_001354895.2, NM_001407450.1); c.8001T>A, p.Ser2667Arg (NM_001127511.3); c.8109T>A, p.Ser2703Arg (NM_001354896.2, NM_001407447.1, NM_001407448.1 and 1 more transcripts); c.8085T>A, p.Ser2695Arg (NM_001354897.2); c.7980T>A, p.Ser2660Arg (NM_001354898.2); c.7971T>A, p.Ser2657Arg (NM_001354899.2); c.7932T>A, p.Ser2644Arg (NM_001354900.2); c.7878T>A, p.Ser2626Arg (NM_001354901.2, NM_001407453.1); and 12 more; short protein forms S2525R, S2559R, S2594R, S2626R, S2685R, S2301R, S2402R, S2556R.
Identifiers: ClinVar variation 2815528 (VCV002815528.4), dbSNP rs2149998568, ClinGen allele CA16038821.
Genomic context (GRCh38, chr5:112,843,649, plus strand): 5'-CATTAACAATCCTAGATCTGGAAGATCTCCCACAGGTAATACTCCCCCGGTGATTGACAG[T>A]GTTTCAGAAAAGGCAAATCCAAACATTAAAGATTCAAAAGATAATCAGGCAAAACAAAAT-3'
Protein context (NP_000029.2, residues 2675-2695): PTGNTPPVID[Ser2685Arg]VSEKANPNIK